The following is an entry in ClinVar:

NM_005359.6(SMAD4):c.553C>T (p.Pro185Ser)

Gene: SMAD4 (SMAD family member 4; plus strand). Cytogenetic location: 18q21.2.
Variant type: single nucleotide variant.
Coding change: c.553C>T on transcript NM_005359.6 (MANE Select); coding-DNA position 553, C replaced by T.
Protein change: p.Pro185Ser; replaces proline 185 with serine.
Molecular consequence: missense variant.
Genome position (GRCh38, 1-based): chr18:51,054,879, C>T. VCF-style: chr18-51054879-C-T. GRCh37 (hg19) VCF-style: chr18-48581249-C-T.
Other names: short protein forms P185S.
Identifiers: ClinVar variation 1062509 (VCV001062509.10), dbSNP rs2144418704, ClinGen allele CA402460945.
Genomic context (GRCh38, chr18:51,054,879, plus strand): 5'-GACTTTGAGGGACAGCCATCGTTGTCCACTGAAGGACATTCAATTCAAACCATCCAGCAT[C>T]CACCAAGTAATCGTGCATCGACAGAGACATACAGCACCCCAGCTCTGTTAGCCCCATCTG-3'
Protein context (NP_005350.1, residues 175-195): EGHSIQTIQH[Pro185Ser]PSNRASTETY

ClinVar aggregate classification (germline): Uncertain significance. Review status: criteria provided, multiple submitters, no conflicts (2 of 4 stars). 2 submissions from 2 submitters: Uncertain significance (2). Last evaluated 2023-08-23.

Conditions:
Juvenile polyposis syndrome (JPS). Identifiers: Orphanet 2929, MedGen C0345893, MONDO:0017380, OMIM 174900.

Submissions (2):

ARUP Laboratories, Molecular Genetics and Genomics, ARUP Laboratories
Classification: Uncertain significance. Last evaluated: 2023-08-23. Review status: criteria provided, single submitter. Criteria: ARUP Molecular Germline Variant Investigation Process 2024. Collection method: clinical testing. Allele origin: germline.
Comment: The SMAD4 c.553C>T; p.Pro185Ser variant, to our knowledge, is not reported in the medical literature but is reported in ClinVar (Variation ID: 1062509). This variant is absent from the Genome Aggregation Database, indicating it is not a common polymorphism. Computational analyses are uncertain whether this variant is neutral or deleterious (REVEL: 0.196). Due to limited information, the clinical significance of this variant is uncertain at this time.

Labcorp Genetics (formerly Invitae), Labcorp
Classification: Uncertain significance for Juvenile polyposis syndrome. Last evaluated: 2022-01-16. Review status: criteria provided, single submitter. Criteria: Invitae Variant Classification Sherloc (09022015). Collection method: clinical testing. Allele origin: germline.
Comment: In summary, the available evidence is currently insufficient to determine the role of this variant in disease. Therefore, it has been classified as a Variant of Uncertain Significance. Algorithms developed to predict the effect of missense changes on protein structure and function (SIFT, PolyPhen-2, Align-GVGD) all suggest that this variant is likely to be tolerated. ClinVar contains an entry for this variant (Variation ID: 1062509). This variant has not been reported in the literature in individuals affected with SMAD4-related conditions. This variant is not present in population databases (gnomAD no frequency). This sequence change replaces proline, which is neutral and non-polar, with serine, which is neutral and polar, at codon 185 of the SMAD4 protein (p.Pro185Ser).